The following is an entry in ClinVar:

ClinVar aggregate classification (germline): Uncertain significance (1 of 4 stars; one submission).

Allele frequency attached by ClinVar (database versions not stated): ExAC 0.00002; ESP Exome Variant Server 0.00008.
gnomAD v4.1: 16 of 1,614,148 alleles (0.00099%); highest among the groups gnomAD compares: Non-Finnish European, 0.0014%; no homozygotes.

Submission:

Labcorp Genetics (formerly Invitae), Labcorp
Classification: Uncertain significance. Last evaluated: 2025-06-12. Review status: criteria provided, single submitter. Criteria: Invitae Variant Classification Sherloc (09022015). Collection method: clinical testing. Allele origin: germline.
Comment: This sequence change replaces serine, which is neutral and polar, with arginine, which is basic and polar, at codon 49 of the NUP160 protein (p.Ser49Arg). This variant is present in population databases (rs141663289, gnomAD 0.004%). This variant has not been reported in the literature in individuals affected with NUP160-related conditions. ClinVar contains an entry for this variant (Variation ID: 1918703). An algorithm developed to predict the effect of missense changes on protein structure and function (PolyPhen-2) suggests that this variant is likely to be tolerated. In summary, the available evidence is currently insufficient to determine the role of this variant in disease. Therefore, it has been classified as a Variant of Uncertain Significance.

NM_015231.3(NUP160):c.45C>G (p.Ser15Arg)

Gene: NUP160 (nucleoporin 160; minus strand). Cytogenetic location: 11p11.2.
Variant type: single nucleotide variant.
Coding change: c.45C>G on transcript NM_015231.3 (MANE Select); coding-DNA position 45, C replaced by G.
Protein change: p.Ser15Arg; replaces serine 15 with arginine.
Molecular consequence: missense variant. On other transcripts: non-coding transcript variant (1).
Genome position (GRCh38, 1-based): chr11:47,848,274, G>C on the plus strand (C>G on the coding strand, the complement: NUP160 is on the minus strand). VCF-style: chr11-47848274-G-C. GRCh37 (hg19) VCF-style: chr11-47869826-G-C.
Other names: c.147C>G, p.Ser49Arg (NM_001318399.1); short protein forms S15R, S49R.
Identifiers: ClinVar variation 1918703 (VCV001918703.5), dbSNP rs141663289, ClinGen allele CA5981742.